The following is an entry in ClinVar:

NM_000497.4(CYP11B1):c.854A>G (p.Gln285Arg)

Genes: CYP11B1 (cytochrome P450 family 11 subfamily B member 1; minus strand), LOC106799833 (CYP11B1 recombination region; plus strand). Cytogenetic location: 8q24.3.
Variant type: single nucleotide variant.
Coding change: c.854A>G on transcript NM_000497.4 (MANE Select); coding-DNA position 854, A replaced by G.
Protein change: p.Gln285Arg; replaces glutamine 285 with arginine.
Molecular consequence: missense variant.
Genome position (GRCh38, 1-based): chr8:142,876,341, T>C on the plus strand (A>G on the coding strand, the complement: CYP11B1 is on the minus strand). VCF-style: chr8-142876341-T-C. GRCh37 (hg19) VCF-style: chr8-143957757-T-C.
Other names: c.854A>G, p.Gln285Arg (NM_001026213.1); short protein forms Q285R.
Identifiers: ClinVar variation 2058916 (VCV002058916.4), dbSNP rs1189895191, ClinGen allele CA372395236.
Genomic context (GRCh38, chr8:142,876,341, plus strand): 5'-TTGATGGCATCTGGCGACAGTTCCGCATTCAACAGGAGCTCCGCCACGATGCTGGTGTAC[T>C]GTTGAGGGCGGCTGAAGGCCAGTTCCTGATAGATTTTCTGGATACAGTTGTCGCCTATCC-3'
Protein context (NP_000488.3, residues 275-295): YQELAFSRPQ[Gln285Arg]YTSIVAELLL

ClinVar aggregate classification (germline): Uncertain significance (1 of 4 stars; one submission).

gnomAD v4.1: 2 of 1,614,080 alleles (0.00012%); highest among the groups gnomAD compares: Non-Finnish European, 0.00017%; no homozygotes.

Submission:

Labcorp Genetics (formerly Invitae), Labcorp
Classification: Uncertain significance. Last evaluated: 2025-06-12. Review status: criteria provided, single submitter. Criteria: Invitae Variant Classification Sherloc (09022015). Collection method: clinical testing. Allele origin: germline.
Comment: This sequence change replaces glutamine, which is neutral and polar, with arginine, which is basic and polar, at codon 285 of the CYP11B1 protein (p.Gln285Arg). This variant is not present in population databases (gnomAD no frequency). This variant has not been reported in the literature in individuals affected with CYP11B1-related conditions. ClinVar contains an entry for this variant (Variation ID: 2058916). Invitae Evidence Modeling of protein sequence and biophysical properties (such as structural, functional, and spatial information, amino acid conservation, physicochemical variation, residue mobility, and thermodynamic stability) indicates that this missense variant is not expected to disrupt CYP11B1 protein function with a negative predictive value of 95%. In summary, the available evidence is currently insufficient to determine the role of this variant in disease. Therefore, it has been classified as a Variant of Uncertain Significance.